The following is an entry in ClinVar:

NM_203486.3(DLL3):c.1086C>A (p.Cys362Ter)

Gene: DLL3 (delta like canonical Notch ligand 3; plus strand). Cytogenetic location: 19q13.2.
Variant type: single nucleotide variant.
Coding change: c.1086C>A on transcript NM_203486.3 (MANE Select); coding-DNA position 1086, C replaced by A.
Protein change: p.Cys362Ter; replaces cysteine 362 with a stop codon.
Molecular consequence: nonsense.
Genome position (GRCh38, 1-based): chr19:39,505,444, C>A. VCF-style: chr19-39505444-C-A. GRCh37 (hg19) VCF-style: chr19-39996084-C-A.
Other names: c.1086C>A, p.Cys362Ter (NM_016941.4); short protein forms C362*.
Identifiers: ClinVar variation 4849323 (VCV004849323.1).

ClinVar aggregate classification (germline): Likely pathogenic (1 of 4 stars; one submission).

Conditions:
Spondylocostal dysostosis 1, autosomal recessive (SCDO1). Also called: DLL3-Related Spondylocostal Dysostosis, Autosomal Recessive. Identifiers: Orphanet 2311, MedGen CN032975, MONDO:0020692, OMIM 277300.

Submission:

First Genomix Gene Laboratory, Genetic Diagnostics Department
Classification: Likely pathogenic for Spondylocostal dysostosis 1, autosomal recessive. Last evaluated: 2025-06-04. Review status: criteria provided, single submitter. Criteria: ACMG Guidelines, 2015. Collection method: clinical testing. Allele origin: germline. Inheritance: Autosomal recessive inheritance. Affected: no. Observed: 1 variant allele.